The following is an entry in ClinVar:

ClinVar aggregate classification (germline): Uncertain significance (1 of 4 stars; one submission).

Conditions:
Familial hypobetalipoproteinemia 1. Also called: APOB-Related Familial Hypobetalipoproteinemia; Hypobetalipoproteinemia, normotriglyceridemic; Acanthocytosis with hypobetalipoproteinemia. Identifiers: MedGen C4551990, MONDO:0014252, OMIM 615558.
Hypercholesterolemia, autosomal dominant, type B (FHCL2). Also called: Familial Hypercholesterolemia Type B; APOLIPOPROTEIN B-100, FAMILIAL DEFECTIVE; APOLIPOPROTEIN B-100, FAMILIAL LIGAND-DEFECTIVE; HYPERCHOLESTEROLEMIA, FAMILIAL, DUE TO LIGAND-DEFECTIVE APOLIPOPROTEIN B; Familial hypercholesterolemia 2; Hyperlipoproteinemia Type IIb. Identifiers: MedGen C1704417, MONDO:0007751, OMIM 144010.

Submission:

Labcorp Genetics (formerly Invitae), Labcorp
Classification: Uncertain significance for Familial hypobetalipoproteinemia 1; Hypercholesterolemia, autosomal dominant, type B. Last evaluated: 2025-06-11. Review status: criteria provided, single submitter. Criteria: Invitae Variant Classification Sherloc (09022015). Collection method: clinical testing. Allele origin: germline.
Comment: This sequence change replaces serine, which is neutral and polar, with threonine, which is neutral and polar, at codon 2859 of the APOB protein (p.Ser2859Thr). This variant is not present in population databases (gnomAD no frequency). This variant has not been reported in the literature in individuals affected with APOB-related conditions. ClinVar contains an entry for this variant (Variation ID: 1427248). Invitae Evidence Modeling of protein sequence and biophysical properties (such as structural, functional, and spatial information, amino acid conservation, physicochemical variation, residue mobility, and thermodynamic stability) indicates that this missense variant is not expected to disrupt APOB protein function with a negative predictive value of 95%. In summary, the available evidence is currently insufficient to determine the role of this variant in disease. Therefore, it has been classified as a Variant of Uncertain Significance.

NM_000384.3(APOB):c.8576G>C (p.Ser2859Thr)

Gene: APOB (apolipoprotein B; minus strand). Cytogenetic location: 2p24.1.
Variant type: single nucleotide variant.
Coding change: c.8576G>C on transcript NM_000384.3 (MANE Select); coding-DNA position 8576, G replaced by C.
Protein change: p.Ser2859Thr; replaces serine 2859 with threonine.
Molecular consequence: missense variant.
Genome position (GRCh38, 1-based): chr2:21,008,292, C>G on the plus strand (G>C on the coding strand, the complement: APOB is on the minus strand). VCF-style: chr2-21008292-C-G. GRCh37 (hg19) VCF-style: chr2-21231164-C-G.
Other names: short protein forms S2859T.
Identifiers: ClinVar variation 1427248 (VCV001427248.8), dbSNP rs1012844837, ClinGen allele CA43500263.